The following is an entry in ClinVar:

NM_004519.4(KCNQ3):c.1048del (p.Ile350fs)

Gene: KCNQ3 (potassium voltage-gated channel subfamily Q member 3; minus strand). Cytogenetic location: 8q24.22.
Variant type: Deletion.
Coding change: c.1048del on transcript NM_004519.4 (MANE Select); coding-DNA position 1048, one base deleted (A; older notation c.1048delA).
Protein change: p.Ile350fs; shifts the reading frame from isoleucine 350.
Molecular consequence: frameshift variant.
Genome position (GRCh38, 1-based): chr8:132,172,690, T deleted on the plus strand (A on the coding strand, the reverse complement: KCNQ3 is on the minus strand). VCF-style (leftmost placement, unchanged base first): chr8-132172689-AT-A. GRCh37 (hg19) VCF-style: chr8-133184936-AT-A.
Other names: c.688del, p.Ile230fs (NM_001204824.2); short protein forms I230fs, I350fs.
Identifiers: ClinVar variation 3725428 (VCV003725428.2).

ClinVar aggregate classification (germline): Pathogenic (1 of 4 stars; one submission).

Conditions:
Benign neonatal seizures. Also called: Benign familial neonatal seizures; Benign neonatal familial convulsions; Benign familial neonatal epilepsy; Convulsions benign familial neonatal dominant form; Autosomal dominant form of benign neonatal seizures. Identifiers: Orphanet 1949, MedGen C0220669, MONDO:0016027.

Submission:

Labcorp Genetics (formerly Invitae), Labcorp
Classification: Pathogenic for Benign neonatal seizures. Last evaluated: 2024-11-20. Review status: criteria provided, single submitter. Criteria: Invitae Variant Classification Sherloc (09022015). Collection method: clinical testing. Allele origin: germline.
Comment: This sequence change creates a premature translational stop signal (p.Ile350Serfs*99) in the KCNQ3 gene. It is expected to result in an absent or disrupted protein product. Loss-of-function variants in KCNQ3 are known to be pathogenic (PMID: 29383681, 29852413). This variant is not present in population databases (gnomAD no frequency). This variant has not been reported in the literature in individuals affected with KCNQ3-related conditions. For these reasons, this variant has been classified as Pathogenic.

Literature cited by the submitters: PubMed 29383681; PubMed 29852413.